The following continues an entry in ClinVar:

NM_000371.4(TTR):c.280G>C (p.Asp94His)

Gene: TTR. ClinVar aggregate classification (germline): Conflicting classifications of pathogenicity. Likely pathogenic (1); Uncertain significance (12).

Submissions 9 to 15 of 15:

Blueprint Genetics
Classification: Uncertain significance. Last evaluated: 2024-03-20. Review status: criteria provided, single submitter. Criteria: ACMG Guidelines, 2015. Collection method: clinical testing. Allele origin: germline.

Athena Diagnostics
Classification: Uncertain significance. Last evaluated: 2023-10-30. Review status: criteria provided, single submitter. Criteria: Athena Diagnostics Criteria. Collection method: clinical testing. Allele origin: unknown.
Comment: Available data are insufficient to determine the clinical significance of the variant at this time. The frequency of this variant in the general population is uninformative in assessment of its pathogenicity. This variant has been identified in at least one individual with clinical features associated with this gene. In some published literature, this variant is referred to as p.Asp74His. Computational tools disagree on the variant's effect on normal protein function.

CeGaT Center for Human Genetics Tuebingen
Classification: Uncertain significance. Last evaluated: 2016-11-01. Review status: criteria provided, single submitter. Criteria: CeGaT Center For Human Genetics Tuebingen Variant Classification Criteria Version 2. Collection method: clinical testing. Allele origin: germline. Affected: yes. Observed: 1 variant allele.

Eurofins Ntd Llc (ga)
Classification: Uncertain significance. Last evaluated: 2016-04-05. Review status: criteria provided, single submitter. Criteria: EGL Classification Definitions 2015. Collection method: clinical testing. Allele origin: germline. Observed: 2 variant alleles, 2 heterozygotes.

Molecular Genetics Laboratory, London Health Sciences Centre
Classification: Uncertain significance for Charcot-Marie-Tooth disease. Review status: criteria provided, single submitter. Criteria: ACMG Guidelines, 2015. Collection method: clinical testing. Allele origin: germline. Affected: yes.

Clinical Genetics DNA and cytogenetics Diagnostics Lab, Erasmus MC, Erasmus Medical Center
Classification: Uncertain significance. Review status: no assertion criteria provided. Collection method: clinical testing. Allele origin: germline. Affected: yes. Study: VKGL Data-share Consensus. Not counted in ClinVar's aggregate classification.

Diagnostic Laboratory, Department of Genetics, University Medical Center Groningen
Classification: Uncertain significance. Review status: no assertion criteria provided. Collection method: clinical testing. Allele origin: germline. Affected: yes. Study: VKGL Data-share Consensus. Not counted in ClinVar's aggregate classification.

Literature cited by the submitters: PubMed 29121657 (cited by 5 submitters); PubMed 32376792 (cited by 5 submitters); PubMed 39458146 (cited by Ambry Genetics and Mayo Clinic Laboratories, Mayo Clinic); PubMed 39575713 (cited by 3 submitters); PubMed 41095902 (cited by Ambry Genetics); PubMed 34658264 (cited by 4 submitters); PubMed 30683924 (cited by Women's Health and Genetics/Laboratory Corporation of America, LabCorp and Athena Diagnostics); PubMed 24779883 (cited by Athena Diagnostics).